The following is an entry in ClinVar:

ClinVar aggregate classification (germline): Uncertain significance (1 of 4 stars; one submission).

Allele frequency attached by ClinVar (database versions not stated): gnomAD 0.00001; TOPMed 0.00001.
gnomAD v4.1: 3 of 1,577,880 alleles (0.00019%); highest among the groups gnomAD compares: African/African-American, 0.0027%; no homozygotes.

Submission:

Labcorp Genetics (formerly Invitae), Labcorp
Classification: Uncertain significance. Last evaluated: 2025-10-05. Review status: criteria provided, single submitter. Criteria: Invitae Variant Classification Sherloc (09022015). Collection method: clinical testing. Allele origin: germline.
Comment: This sequence change replaces proline, which is neutral and non-polar, with leucine, which is neutral and non-polar, at codon 27 of the UNC119 protein (p.Pro27Leu). This variant is not present in population databases (gnomAD no frequency). This variant has not been reported in the literature in individuals affected with UNC119-related conditions. ClinVar contains an entry for this variant (Variation ID: 1381038). An algorithm developed to predict the effect of missense changes on protein structure and function (PolyPhen-2) suggests that this variant is likely to be disruptive. In summary, the available evidence is currently insufficient to determine the role of this variant in disease. Therefore, it has been classified as a Variant of Uncertain Significance.

NM_005148.4(UNC119):c.80C>T (p.Pro27Leu)

Genes: UNC119 (unc-119 lipid binding chaperone; minus strand), LOC130060555 (ATAC-STARR-seq lymphoblastoid silent region 8343; plus strand). Cytogenetic location: 17q11.2.
Variant type: single nucleotide variant.
Coding change: c.80C>T on transcript NM_005148.4 (MANE Select); coding-DNA position 80, C replaced by T.
Protein change: p.Pro27Leu; replaces proline 27 with leucine.
Molecular consequence: missense variant. On other transcripts: 5 prime UTR variant (1).
Genome position (GRCh38, 1-based): chr17:28,552,478, G>A on the plus strand (C>T on the coding strand, the complement: UNC119 is on the minus strand). VCF-style: chr17-28552478-G-A. GRCh37 (hg19) VCF-style: chr17-26879496-G-A.
Other names: c.-234C>T (NM_001330166.2); c.80C>T, p.Pro27Leu (NM_054035.2); short protein forms P27L.
Identifiers: ClinVar variation 1381038 (VCV001381038.6), dbSNP rs1007666557, ClinGen allele CA289107336.